The following is an entry in ClinVar:

ClinVar aggregate classification (germline): Uncertain significance (1 of 4 stars; one submission).

Submission:

Labcorp Genetics (formerly Invitae), Labcorp
Classification: Uncertain significance. Last evaluated: 2024-10-22. Review status: criteria provided, single submitter. Criteria: Invitae Variant Classification Sherloc (09022015). Collection method: clinical testing. Allele origin: germline.
Comment: This sequence change replaces glutamine, which is neutral and polar, with arginine, which is basic and polar, at codon 874 of the MSH3 protein (p.Gln874Arg). This variant is not present in population databases (gnomAD no frequency). This variant has not been reported in the literature in individuals affected with MSH3-related conditions. An algorithm developed to predict the effect of missense changes on protein structure and function (PolyPhen-2) suggests that this variant is likely to be disruptive. In summary, the available evidence is currently insufficient to determine the role of this variant in disease. Therefore, it has been classified as a Variant of Uncertain Significance.

NM_002439.5(MSH3):c.2621A>G (p.Gln874Arg)

Gene: MSH3 (mutS homolog 3; plus strand). Cytogenetic location: 5q14.1.
Variant type: single nucleotide variant.
Coding change: c.2621A>G on transcript NM_002439.5 (MANE Select); coding-DNA position 2621, A replaced by G.
Protein change: p.Gln874Arg; replaces glutamine 874 with arginine.
Molecular consequence: missense variant.
Genome position (GRCh38, 1-based): chr5:80,792,810, A>G. VCF-style: chr5-80792810-A-G. GRCh37 (hg19) VCF-style: chr5-80088629-A-G.
Other names: short protein forms Q874R.
Identifiers: ClinVar variation 3723499 (VCV003723499.2).